The following is an entry in ClinVar:

NM_017777.4(MKS1):c.1507A>G (p.Ser503Gly)

Gene: MKS1 (MKS transition zone complex subunit 1; minus strand). Cytogenetic location: 17q22.
Variant type: single nucleotide variant.
Coding change: c.1507A>G on transcript NM_017777.4 (MANE Select); coding-DNA position 1507, A replaced by G.
Protein change: p.Ser503Gly; replaces serine 503 with glycine.
Molecular consequence: missense variant. On other transcripts: synonymous variant (1).
Genome position (GRCh38, 1-based): chr17:58,206,364, T>C on the plus strand (A>G on the coding strand, the complement: MKS1 is on the minus strand). VCF-style: chr17-58206364-T-C. GRCh37 (hg19) VCF-style: chr17-56283725-T-C.
Other names: c.898A>G, p.Ser300Gly (NM_001321268.2); c.1424A>G, p.Glu475Gly (NM_001321269.2); c.1290A>G, p.Arg430= (NM_001330397.2); c.1507A>G (NM_017777.3); short protein forms E475G, S300G, S503G.
Identifiers: ClinVar variation 1058742 (VCV001058742.8), dbSNP rs1328968692, ClinGen allele CA400324563.

ClinVar aggregate classification (germline): Uncertain significance. Review status: criteria provided, multiple submitters, no conflicts (2 of 4 stars). 3 submissions from 3 submitters: Uncertain significance (2). 1 of the submissions does not count toward it. Last evaluated 2026-05-27.

Conditions:
MKS1-related disorder. Also called: MKS1-related disorders; MKS1-related condition. Identifiers: MedGen CN239382.
Meckel-Gruber syndrome. Also called: Dysencephalia splachnocystica; DYSENCEPHALIA SPLANCHNOCYSTICA; GRUBER SYNDROME. Identifiers: Orphanet 564, MedGen C0265215, MONDO:0018921.
Joubert syndrome. Also called: JOUBERT-BOLTSHAUSER SYNDROME; Familial aplasia of the vermis. Identifiers: Orphanet 475, MedGen C5979921, MONDO:0018772.
Meckel syndrome, type 1 (MKS1). Also called: MECKEL-GRUBER SYNDROME, TYPE 1. Identifiers: Orphanet 564, MedGen C3714506, MONDO:0009571, OMIM 249000.

Allele frequency attached by ClinVar (database versions not stated): TOPMed below 0.00001; gnomAD exomes 0.00001.
gnomAD v4.1: 11 of 1,613,900 alleles (0.00068%); highest among the groups gnomAD compares: African/African-American, 0.0013%; no homozygotes.

Submissions (3):

PreventionGenetics, part of Exact Sciences
Classification: Uncertain significance for MKS1-related condition. Last evaluated: 2026-05-27. Review status: criteria provided, single submitter. Criteria: ACMG Guidelines, 2015. Collection method: clinical testing. Allele origin: germline.
Comment: The MKS1 c.1507A>G variant is predicted to result in the amino acid substitution p.Ser503Gly. To our knowledge, this variant has not been reported in the literature or in a large population database (gnomAD), indicating this variant is rare. At this time, the clinical significance of this variant is uncertain due to the absence of conclusive functional and genetic evidence.

Labcorp Genetics (formerly Invitae), Labcorp
Classification: Uncertain significance for Joubert syndrome; Meckel-Gruber syndrome. Last evaluated: 2021-09-01. Review status: criteria provided, single submitter. Criteria: Invitae Variant Classification Sherloc (09022015). Collection method: clinical testing. Allele origin: germline.
Comment: This sequence change replaces serine with glycine at codon 503 of the MKS1 protein (p.Ser503Gly). The serine residue is weakly conserved and there is a small physicochemical difference between serine and glycine. This variant is not present in population databases (ExAC no frequency). This variant has not been reported in the literature in individuals affected with MKS1-related conditions. Algorithms developed to predict the effect of missense changes on protein structure and function (SIFT, PolyPhen-2, Align-GVGD) all suggest that this variant is likely to be tolerated. In summary, the available evidence is currently insufficient to determine the role of this variant in disease. Therefore, it has been classified as a Variant of Uncertain Significance.

Natera, Inc.
Classification: Uncertain significance for Meckel syndrome type 1. Last evaluated: 2020-05-05. Review status: no assertion criteria provided. Collection method: clinical testing. Allele origin: germline. Not counted in ClinVar's aggregate classification.